The following is an entry in ClinVar:

ClinVar aggregate classification (germline): Uncertain significance. Review status: criteria provided, multiple submitters, no conflicts (2 of 4 stars). 3 submissions from 3 submitters: Uncertain significance (3). Last evaluated 2025-09-03.

Conditions:
Familial melanoma. Also called: Hereditary melanoma; Hereditary cutaneous melanoma. Identifiers: Orphanet 618, MedGen C1512419, MONDO:0018961.
Hereditary cancer-predisposing syndrome. Also called: Hereditary neoplastic syndrome; Neoplastic Syndromes, Hereditary; Tumor predisposition; Hereditary Cancer Syndrome. Identifiers: Orphanet 140162, MedGen C0027672, MeSH D009386, MONDO:0015356.
Melanoma, cutaneous malignant, susceptibility to, 3. Also called: Cutaneous malignant melanoma 3. Identifiers: Orphanet 618, MedGen C1836892, MONDO:0012183, OMIM 609048.

gnomAD v4.1: 2 of 1,614,044 alleles (0.00012%); highest among the groups gnomAD compares: Non-Finnish European, 0.00017%; no homozygotes.

Submissions (3):

Labcorp Genetics (formerly Invitae), Labcorp
Classification: Uncertain significance for Familial melanoma. Last evaluated: 2025-09-03. Review status: criteria provided, single submitter. Criteria: Invitae Variant Classification Sherloc (09022015). Collection method: clinical testing. Allele origin: germline.
Comment: This sequence change replaces threonine, which is neutral and polar, with arginine, which is basic and polar, at codon 153 of the CDK4 protein (p.Thr153Arg). This variant is not present in population databases (gnomAD no frequency). This variant has not been reported in the literature in individuals affected with CDK4-related conditions. ClinVar contains an entry for this variant (Variation ID: 949682). Invitae Evidence Modeling of protein sequence and biophysical properties (such as structural, functional, and spatial information, amino acid conservation, physicochemical variation, residue mobility, and thermodynamic stability) indicates that this missense variant is not expected to disrupt CDK4 protein function with a negative predictive value of 95%. In summary, the available evidence is currently insufficient to determine the role of this variant in disease. Therefore, it has been classified as a Variant of Uncertain Significance.

Fulgent Genetics
Classification: Uncertain significance for Melanoma, cutaneous malignant, susceptibility to, 3. Last evaluated: 2024-04-25. Review status: criteria provided, single submitter. Criteria: ACMG Guidelines, 2015. Collection method: clinical testing. Allele origin: germline.

Ambry Genetics
Classification: Uncertain significance for Hereditary cancer-predisposing syndrome. Last evaluated: 2023-10-20. Review status: criteria provided, single submitter. Criteria: Ambry Variant Classification Scheme 2023. Collection method: clinical testing. Allele origin: germline.
Comment: The p.T153R variant (also known as c.458C>G), located in coding exon 3 of the CDK4 gene, results from a C to G substitution at nucleotide position 458. The threonine at codon 153 is replaced by arginine, an amino acid with similar properties. This amino acid position is conserved. In addition, this alteration is predicted to be tolerated by in silico analysis. Since supporting evidence is limited at this time, the clinical significance of this alteration remains unclear.

NM_000075.4(CDK4):c.458C>G (p.Thr153Arg)

Gene: CDK4 (cyclin dependent kinase 4; minus strand). Cytogenetic location: 12q14.1.
Variant type: single nucleotide variant.
Coding change: c.458C>G on transcript NM_000075.4 (MANE Select); coding-DNA position 458, C replaced by G.
Protein change: p.Thr153Arg; replaces threonine 153 with arginine.
Molecular consequence: missense variant.
Genome position (GRCh38, 1-based): chr12:57,750,987, G>C on the plus strand (C>G on the coding strand, the complement: CDK4 is on the minus strand). VCF-style: chr12-57750987-G-C. GRCh37 (hg19) VCF-style: chr12-58144770-G-C.
Other names: short protein forms T153R.
Identifiers: ClinVar variation 949682 (VCV000949682.11), dbSNP rs1443076952, ClinGen allele CA385546404.
Genomic context (GRCh38, chr12:57,750,987, plus strand): 5'-GGTGTAAGTGCCATCTGGTAGCTGTAGATTCTGGCCAGGCCAAAGTCAGCCAGCTTGACT[G>C]TTCCACCACTTGTCACCAGAATGTTCTCTGGCTTCAGATCTCGGTGAACGATGCAATTGG-3'
Protein context (NP_000066.1, residues 143-163): PENILVTSGG[Thr153Arg]VKLADFGLAR